The following is an entry in ClinVar:

ClinVar aggregate classification (germline): Uncertain significance (1 of 4 stars; one submission).

Conditions:
Epidermolysis bullosa simplex 3, localized or generalized intermediate, with BP230 deficiency (EBS3). Also called: Epidermolysis bullosa simplex due to BP230 deficiency; Epidermolysis bullosa simplex, autosomal recessive 2. Identifiers: Orphanet 412181, MedGen C3809470, MONDO:0014180, OMIM 615425.
Hereditary sensory and autonomic neuropathy type 6. Also called: HSAN VI; Neuropathy, hereditary sensory and autonomic, type VI. Identifiers: Orphanet 314381, MedGen C3539003, MONDO:0013839, OMIM 614653.

Allele frequency attached by ClinVar (database versions not stated): gnomAD exomes below 0.00001 and 0.00001.
gnomAD v4.1: 2 of 1,614,172 alleles (0.00012%); highest among the groups gnomAD compares: East Asian, 0.0045%; no homozygotes.

Submission:

Labcorp Genetics (formerly Invitae), Labcorp
Classification: Uncertain significance for Epidermolysis bullosa simplex 3, localized or generalized intermediate, with BP230 deficiency; Hereditary sensory and autonomic neuropathy type 6. Last evaluated: 2021-08-27. Review status: criteria provided, single submitter. Criteria: Invitae Variant Classification Sherloc (09022015). Collection method: clinical testing. Allele origin: germline.
Comment: This sequence change replaces aspartic acid with tyrosine at codon 1428 of the DST protein (p.Asp1428Tyr). The aspartic acid residue is weakly conserved and there is a large physicochemical difference between aspartic acid and tyrosine. This variant is not present in population databases (ExAC no frequency). This variant has not been reported in the literature in individuals affected with DST-related conditions. Algorithms developed to predict the effect of missense changes on protein structure and function (SIFT, PolyPhen-2, Align-GVGD) all suggest that this variant is likely to be disruptive. In summary, the available evidence is currently insufficient to determine the role of this variant in disease. Therefore, it has been classified as a Variant of Uncertain Significance.

NM_001723.7(DST):c.4282G>T (p.Asp1428Tyr)

Gene: DST (dystonin; minus strand). Cytogenetic location: 6p12.1.
Variant type: single nucleotide variant.
Coding change: c.4282G>T on transcript NM_001723.7 (MANE Plus Clinical); coding-DNA position 4282, G replaced by T.
Protein change: p.Asp1428Tyr; replaces aspartic acid 1428 with tyrosine.
Molecular consequence: missense variant. On other transcripts: intron variant (10).
Genome position (GRCh38, 1-based): chr6:56,619,752, C>A on the plus strand (G>T on the coding strand, the complement: DST is on the minus strand). VCF-style: chr6-56619752-C-A. GRCh37 (hg19) VCF-style: chr6-56484550-C-A.
Other names: c.4830+4778G>T (NM_001144769.5); c.4929+4778G>T (NM_001374722.1, NM_001374736.1); c.4956+4778G>T (NM_001374734.1); c.4416+4778G>T (NM_001144770.2); c.4296+4778G>T (NM_001374730.1, NM_001386100.1, NM_183380.4 and 1 more transcripts); c.3318+4778G>T (NM_015548.5); short protein forms D1428Y.
Identifiers: ClinVar variation 1350717 (VCV001350717.5), dbSNP rs1164279142, ClinGen allele CA364570028.